The following is an entry in ClinVar:

ClinVar aggregate classification (germline): Pathogenic (1 of 4 stars; one submission).

Conditions:
Familial adenomatous polyposis 1 (FAP1). Also called: POLYPOSIS, ADENOMATOUS INTESTINAL; FAMILIAL ADENOMATOUS POLYPOSIS 1, ATTENUATED. Identifiers: MedGen C2713442, MONDO:0021056, OMIM 175100. Disease mechanism: loss of function.

Submission:

Myriad Genetics, Inc.
Classification: Pathogenic for Familial adenomatous polyposis 1. Last evaluated: 2023-05-16. Review status: criteria provided, single submitter. Criteria: Myriad Autosomal Dominant, Autosomal Recessive and X-Linked Classification Criteria (2023). Collection method: clinical testing. Allele origin: unknown.
Comment: This variant is considered pathogenic. This variant creates a frameshift predicted to result in premature protein truncation.

NM_000038.6(APC):c.6778dup (p.Ser2260fs)

Gene: APC (APC regulator of Wnt signaling pathway; plus strand). Cytogenetic location: 5q22.2.
Variant type: Duplication.
Coding change: c.6778dup on transcript NM_000038.6 (MANE Select); coding-DNA position 6778, one base duplicated (A; older notation c.6778dupA).
Protein change: p.Ser2260fs; shifts the reading frame from serine 2260.
Molecular consequence: frameshift variant. On other transcripts: non-coding transcript variant (2).
Genome position (GRCh38, 1-based): chr5:112,842,372, A duplicated; the last of 4 consecutive A bases (chr5:112,842,369-112,842,372); duplicating any one gives the same sequence. VCF-style (leftmost placement, unchanged base first): chr5-112842368-C-CA. GRCh37 (hg19) VCF-style: chr5-112178065-C-CA.
Other names: c.6748dup, p.Ser2250fs (NM_001407452.1); c.6601dup, p.Ser2201fs (NM_001407453.1, NM_001354901.2); c.6529dup, p.Ser2177fs (NM_001407454.1, NM_001407455.1, NM_001407456.1 and 1 more transcripts); c.6475dup, p.Ser2159fs (NM_001407458.1, NM_001407459.1, NM_001407460.1 and 1 more transcripts); c.6391dup, p.Ser2131fs (NM_001407467.1, NM_001407469.1); c.5929dup, p.Ser1977fs (NM_001407470.1, NM_001354906.2); c.5626dup, p.Ser1876fs (NM_001407471.1, NM_001407472.1); c.6778dup, p.Ser2260fs (NM_001127510.3, NM_001354895.2, NM_001407450.1); and 11 more; short protein forms S1876fs, S1977fs, S2100fs, S2131fs, S2134fs, S2159fs, S2169fs, S2177fs.
Identifiers: ClinVar variation 2583648 (VCV002583648.2), dbSNP rs2533742430, ClinGen allele CA2582341615.